The following is an entry in ClinVar:

NM_000245.4(MET):c.374A>G (p.Tyr125Cys)

Gene: MET (MET proto-oncogene, receptor tyrosine kinase; plus strand). Cytogenetic location: 7q31.2.
Variant type: single nucleotide variant.
Coding change: c.374A>G on transcript NM_000245.4 (MANE Select); coding-DNA position 374, A replaced by G.
Protein change: p.Tyr125Cys; replaces tyrosine 125 with cysteine.
Molecular consequence: missense variant. On other transcripts: intron variant (1).
Genome position (GRCh38, 1-based): chr7:116,699,458, A>G. VCF-style: chr7-116699458-A-G. GRCh37 (hg19) VCF-style: chr7-116339512-A-G.
Other names: c.374A>G, p.Tyr125Cys (NM_001127500.3, NM_001324401.3); c.-91+26881A>G (NM_001324402.2); short protein forms Y125C.
Identifiers: ClinVar variation 2815707 (VCV002815707.5), dbSNP rs2116587235, ClinGen allele CA368968934.
Genomic context (GRCh38, chr7:116,699,458, plus strand): 5'-CCAATTTATCAGGAGGTGTTTGGAAAGATAACATCAACATGGCTCTAGTTGTCGACACCT[A>G]CTATGATGATCAACTCATTAGCTGTGGCAGCGTCAACAGAGGGACCTGCCAGCGACATGT-3'
Protein context (NP_000236.2, residues 115-135): NINMALVVDT[Tyr125Cys]YDDQLISCGS

ClinVar aggregate classification (germline): Uncertain significance. Review status: criteria provided, multiple submitters, no conflicts (2 of 4 stars). 2 submissions from 2 submitters: Uncertain significance (2). Last evaluated 2025-06-28.

Conditions:
Renal cell carcinoma. Identifiers: Orphanet 217071, MedGen C0007134, MeSH D002292, MONDO:0005086, HP:0005584.
Hereditary cancer-predisposing syndrome. Also called: Neoplastic Syndromes, Hereditary; Tumor predisposition; Hereditary Cancer Syndrome; Hereditary neoplastic syndrome. Identifiers: Orphanet 140162, MedGen C0027672, MeSH D009386, MONDO:0015356.

Submissions (2):

Ambry Genetics
Classification: Uncertain significance for Hereditary cancer-predisposing syndrome. Last evaluated: 2025-06-28. Review status: criteria provided, single submitter. Criteria: Ambry Variant Classification Scheme 2023. Collection method: clinical testing. Allele origin: germline.
Comment: The p.Y125C variant (also known as c.374A>G), located in coding exon 1 of the MET gene, results from an A to G substitution at nucleotide position 374. The tyrosine at codon 125 is replaced by cysteine, an amino acid with highly dissimilar properties. This amino acid position is conserved. In addition, this alteration is predicted to be tolerated by in silico analysis. Based on the available evidence, the clinical significance of this variant remains unclear.

Labcorp Genetics (formerly Invitae), Labcorp
Classification: Uncertain significance for Renal cell carcinoma. Last evaluated: 2023-12-13. Review status: criteria provided, single submitter. Criteria: Invitae Variant Classification Sherloc (09022015). Collection method: clinical testing. Allele origin: germline.
Comment: This sequence change replaces tyrosine, which is neutral and polar, with cysteine, which is neutral and slightly polar, at codon 125 of the MET protein (p.Tyr125Cys). This variant is not present in population databases (gnomAD no frequency). This variant has not been reported in the literature in individuals affected with MET-related conditions. Advanced modeling of protein sequence and biophysical properties (such as structural, functional, and spatial information, amino acid conservation, physicochemical variation, residue mobility, and thermodynamic stability) has been performed at Invitae for this missense variant, however the output from this modeling did not meet the statistical confidence thresholds required to predict the impact of this variant on MET protein function. In summary, the available evidence is currently insufficient to determine the role of this variant in disease. Therefore, it has been classified as a Variant of Uncertain Significance.